The following is an entry in ClinVar:

NM_173602.3(DIP2B):c.265C>T (p.Arg89Ter)

Gene: DIP2B (DIP2 acetate--CoA ligase B (putative); plus strand). Cytogenetic location: 12q13.12.
Variant type: single nucleotide variant.
Coding change: c.265C>T on transcript NM_173602.3 (MANE Select); coding-DNA position 265, C replaced by T.
Protein change: p.Arg89Ter; replaces arginine 89 with a stop codon.
Molecular consequence: nonsense.
Genome position (GRCh38, 1-based): chr12:50,640,816, C>T. VCF-style: chr12-50640816-C-T. GRCh37 (hg19) VCF-style: chr12-51034599-C-T.
Other names: short protein forms R89*.
Identifiers: ClinVar variation 4820110 (VCV004820110.1).

ClinVar aggregate classification (germline): Pathogenic (1 of 4 stars; one submission).

Conditions:
DIP2B-related neurodevelopmental disorder.

gnomAD v4.1: 3 of 1,613,962 alleles (0.00019%); highest among the groups gnomAD compares: Non-Finnish European, 0.00025%; no homozygotes.

Submission:

Schrauwen Lab, The University of Arizona College of Medicine Phoenix
Classification: Pathogenic for DIP2B-related neurodevelopmental disorder. Last evaluated: 2026-04-09. Review status: criteria provided, single submitter. Criteria: ACMG Guidelines, 2015. Collection method: clinical testing. Allele origin: de novo. Affected: yes.
Comment: Very low frequency in population databases, predicted protein truncating nonsense mediated decay, leading to neurodevelopmental disorder, confirmed de novo heterozygous, found via clinical whole exome sequencing.